The following is an entry in ClinVar:

ClinVar aggregate classification (germline): Conflicting classifications of pathogenicity. Review status: criteria provided, conflicting classifications (1 of 4 stars). 2 submissions from 2 submitters: Uncertain significance (1); Likely benign (1). Last evaluated 2025-06-16.

Conditions:
Long QT syndrome (LQTS). Identifiers: MedGen C0023976, MeSH D008133, MONDO:0002442. Disease mechanism: loss of function. Inheritance: Various modes of inheritance.
Cardiovascular phenotype. Identifiers: MedGen CN230736.

Allele frequency attached by ClinVar (database versions not stated): gnomAD exomes below 0.00001 and 0.00001; gnomAD 0.00002; TOPMed 0.00003.
gnomAD v4.1: 13 of 1,613,968 alleles (0.00081%); highest among the groups gnomAD compares: East Asian, 0.0089%; no homozygotes.

Submissions (2):

Ambry Genetics
Classification: Likely benign for Cardiovascular phenotype. Last evaluated: 2025-06-16. Review status: criteria provided, single submitter. Criteria: Ambry Variant Classification Scheme 2023. Collection method: clinical testing. Allele origin: germline.

Labcorp Genetics (formerly Invitae), Labcorp
Classification: Uncertain significance for Long QT syndrome. Last evaluated: 2022-03-18. Review status: criteria provided, single submitter. Criteria: Invitae Variant Classification Sherloc (09022015). Collection method: clinical testing. Allele origin: germline.
Comment: This sequence change replaces valine, which is neutral and non-polar, with isoleucine, which is neutral and non-polar, at codon 2189 of the AKAP9 protein (p.Val2189Ile). This variant is present in population databases (rs536744826, gnomAD 0.0009%). This variant has not been reported in the literature in individuals affected with AKAP9-related conditions. ClinVar contains an entry for this variant (Variation ID: 652796). Algorithms developed to predict the effect of missense changes on protein structure and function output the following: SIFT: "Tolerated"; PolyPhen-2: "Benign"; Align-GVGD: "Class C0". The isoleucine amino acid residue is found in multiple mammalian species, which suggests that this missense change does not adversely affect protein function. In summary, the available evidence is currently insufficient to determine the role of this variant in disease. Therefore, it has been classified as a Variant of Uncertain Significance.

NM_005751.5(AKAP9):c.6565G>A (p.Val2189Ile)

Gene: AKAP9 (A-kinase anchoring protein 9; plus strand). Cytogenetic location: 7q21.2.
Variant type: single nucleotide variant.
Coding change: c.6565G>A on transcript NM_005751.5 (MANE Select); coding-DNA position 6565, G replaced by A.
Protein change: p.Val2189Ile; replaces valine 2189 with isoleucine.
Molecular consequence: missense variant.
Genome position (GRCh38, 1-based): chr7:92,070,962, G>A. VCF-style: chr7-92070962-G-A. GRCh37 (hg19) VCF-style: chr7-91700276-G-A.
Other names: c.1210G>A, p.Val404Ile (NM_001379277.1); c.6541G>A, p.Val2181Ile (NM_147185.3); short protein forms V2181I, V2189I, V404I.
Identifiers: ClinVar variation 652796 (VCV000652796.9), dbSNP rs536744826, ClinGen allele CA161918347.